The following is an entry in ClinVar:

NM_001281740.3(FHOD3):c.3585A>C (p.Leu1195=)

Gene: FHOD3 (formin homology 2 domain containing 3; plus strand). Cytogenetic location: 18q12.2.
Variant type: single nucleotide variant.
Coding change: c.3585A>C on transcript NM_001281740.3 (MANE Select); coding-DNA position 3585, A replaced by C.
Protein change: p.Leu1195=; no amino-acid change (leucine 1195 retained).
Molecular consequence: synonymous variant.
Genome position (GRCh38, 1-based): chr18:36,740,664, A>C. VCF-style: chr18-36740664-A-C. GRCh37 (hg19) VCF-style: chr18-34320627-A-C.
Other names: c.3585A>C (NM_001281740.2); c.3009A>C, p.Leu1003= (NM_001281739.3); c.3060A>C, p.Leu1020= (NM_025135.5).
Identifiers: ClinVar variation 3895191 (VCV003895191.2), dbSNP rs140302442.

ClinVar aggregate classification (germline): Benign/Likely benign. Review status: criteria provided, multiple submitters, no conflicts (2 of 4 stars). 2 submissions from 2 submitters: Benign (1); Likely benign (1). Last evaluated 2025-05-08.

Conditions:
FHOD3-related disorder. Also called: FHOD3-related condition.

gnomAD v4.1: 126 of 1,613,202 alleles (0.0078%); highest among the groups gnomAD compares: African/African-American, 0.15%; no homozygotes.

Submissions (2):

PreventionGenetics, part of Exact Sciences
Classification: Likely benign for FHOD3-related condition. Last evaluated: 2025-05-08. Review status: criteria provided, single submitter. Criteria: ACMG Guidelines, 2015. Collection method: clinical testing. Allele origin: germline.
Comment: This variant is classified as likely benign based on ACMG/AMP sequence variant interpretation guidelines (Richards et al. 2015 PMID: 25741868, with internal and published modifications).

Molecular Diagnostic Laboratory for Inherited Cardiovascular Disease, Montreal Heart Institute
Classification: Benign. Last evaluated: 2025-04-09. Review status: criteria provided, single submitter. Criteria: ACMG Guidelines, 2015. Collection method: clinical testing. Allele origin: germline. Affected: no.